The following is an entry in ClinVar:

NM_053025.4(MYLK):c.2488G>A (p.Asp830Asn)

Gene: MYLK (myosin light chain kinase; minus strand). Cytogenetic location: 3q21.1.
Variant type: single nucleotide variant.
Coding change: c.2488G>A on transcript NM_053025.4 (MANE Select); coding-DNA position 2488, G replaced by A.
Protein change: p.Asp830Asn; replaces aspartic acid 830 with asparagine.
Molecular consequence: missense variant.
Genome position (GRCh38, 1-based): chr3:123,700,980, C>T on the plus strand (G>A on the coding strand, the complement: MYLK is on the minus strand). VCF-style: chr3-123700980-C-T. GRCh37 (hg19) VCF-style: chr3-123419827-C-T.
Other names: c.1960G>A, p.Asp654Asn (NM_001321309.2); c.2281G>A, p.Asp761Asn (NM_053026.4, NM_053028.4); c.2488G>A, p.Asp830Asn (NM_053027.4); short protein forms D654N, D830N, D761N.
Identifiers: ClinVar variation 3915766 (VCV003915766.2).

ClinVar aggregate classification (germline): Uncertain significance. Review status: criteria provided, multiple submitters, no conflicts (2 of 4 stars). 2 submissions from 2 submitters: Uncertain significance (2). Last evaluated 2025-11-10.

Conditions:
Familial thoracic aortic aneurysm and aortic dissection (TAAD). Also called: Thoracic aortic aneurysms and dissections. Identifiers: Orphanet 91387, MedGen C4707243, MONDO:0019625.
Aortic aneurysm, familial thoracic 7 (AAT7). Also called: AORTIC DISSECTION, FAMILIAL, WITH OR WITHOUT AORTIC ANEURYSM. Identifiers: MedGen C3151077, MONDO:0013418, OMIM 613780.

gnomAD v4.1: 3 of 1,607,340 alleles (0.00019%); highest among the groups gnomAD compares: Non-Finnish European, 0.00025%; no homozygotes.

Submissions (2):

Labcorp Genetics (formerly Invitae), Labcorp
Classification: Uncertain significance for Aortic aneurysm, familial thoracic 7. Last evaluated: 2025-11-10. Review status: criteria provided, single submitter. Criteria: Invitae Variant Classification Sherloc (09022015). Collection method: clinical testing. Allele origin: germline.
Comment: This sequence change replaces aspartic acid, which is acidic and polar, with asparagine, which is neutral and polar, at codon 830 of the MYLK protein (p.Asp830Asn). This variant is not present in population databases (gnomAD no frequency). This variant has not been reported in the literature in individuals affected with MYLK-related conditions. ClinVar contains an entry for this variant (Variation ID: 3915766). Invitae Evidence Modeling of protein sequence and biophysical properties (such as structural, functional, and spatial information, amino acid conservation, physicochemical variation, residue mobility, and thermodynamic stability) indicates that this missense variant is not expected to disrupt MYLK protein function with a negative predictive value of 80%. In summary, the available evidence is currently insufficient to determine the role of this variant in disease. Therefore, it has been classified as a Variant of Uncertain Significance.

Ambry Genetics
Classification: Uncertain significance for Familial thoracic aortic aneurysm and aortic dissection. Last evaluated: 2025-05-02. Review status: criteria provided, single submitter. Criteria: Ambry Variant Classification Scheme 2023. Collection method: clinical testing. Allele origin: germline.
Comment: The p.D830N variant (also known as c.2488G>A), located in coding exon 15 of the MYLK gene, results from a G to A substitution at nucleotide position 2488. The aspartic acid at codon 830 is replaced by asparagine, an amino acid with highly similar properties. This amino acid position is conserved. In addition, this alteration is predicted to be tolerated by in silico analysis. Based on the available evidence, the clinical significance of this variant remains unclear.